The following is an entry in ClinVar:

NM_002907.4(RECQL):c.1222G>T (p.Asp408Tyr)

Gene: RECQL (RecQ like helicase; minus strand). Cytogenetic location: 12p12.1.
Variant type: single nucleotide variant.
Coding change: c.1222G>T on transcript NM_002907.4 (MANE Select); coding-DNA position 1222, G replaced by T.
Protein change: p.Asp408Tyr; replaces aspartic acid 408 with tyrosine.
Molecular consequence: missense variant.
Genome position (GRCh38, 1-based): chr12:21,474,974, C>A on the plus strand (G>T on the coding strand, the complement: RECQL is on the minus strand). VCF-style: chr12-21474974-C-A. GRCh37 (hg19) VCF-style: chr12-21627908-C-A.
Other names: c.1222G>T, p.Asp408Tyr (NM_032941.3); short protein forms D408Y.
Identifiers: ClinVar variation 4824323 (VCV004824323.1).

ClinVar aggregate classification (germline): Uncertain significance (1 of 4 stars; one submission).

Submission:

Ambry Genetics
Classification: Uncertain significance. Last evaluated: 2026-01-17. Review status: criteria provided, single submitter. Criteria: Ambry Variant Classification Scheme 2023. Collection method: clinical testing. Allele origin: germline.
Comment: The p.D408Y variant (also known as c.1222G>T), located in coding exon 10 of the RECQL gene, results from a G to T substitution at nucleotide position 1222. The aspartic acid at codon 408 is replaced by tyrosine, an amino acid with highly dissimilar properties. This amino acid position is conserved. In addition, this alteration is predicted to be deleterious by in silico analysis. Based on the available evidence, the clinical significance of this variant remains unclear.